The following is an entry in ClinVar:

NM_001082486.2(ACD):c.17G>A (p.Arg6Lys)

Gene: ACD (ACD shelterin complex subunit and telomerase recruitment factor; minus strand). Cytogenetic location: 16q22.1.
Variant type: single nucleotide variant.
Coding change: c.17G>A on transcript NM_001082486.2 (MANE Select); coding-DNA position 17, G replaced by A.
Protein change: p.Arg6Lys; replaces arginine 6 with lysine.
Molecular consequence: missense variant.
Genome position (GRCh38, 1-based): chr16:67,660,204, C>T on the plus strand (G>A on the coding strand, the complement: ACD is on the minus strand). VCF-style: chr16-67660204-C-T. GRCh37 (hg19) VCF-style: chr16-67694107-C-T.
Other names: c.17G>A, p.Arg6Lys (NM_001410884.1, NM_022914.3); short protein forms R6K.
Identifiers: ClinVar variation 1795666 (VCV001795666.3), dbSNP rs2543611678, ClinGen allele CA396359155.

ClinVar aggregate classification (germline): Uncertain significance (1 of 4 stars; one submission).

Conditions:
Inborn genetic diseases. Identifiers: MedGen C0950123, MeSH D030342.

Submission:

Ambry Genetics
Classification: Uncertain significance for Inborn genetic diseases. Last evaluated: 2024-05-24. Review status: criteria provided, single submitter. Criteria: Ambry Variant Classification Scheme 2023. Collection method: clinical testing. Allele origin: germline.
Comment: The p.R92K variant (also known as c.275G>A), located in coding exon 1 of the ACD gene, results from a G to A substitution at nucleotide position 275. The arginine at codon 92 is replaced by lysine, an amino acid with highly similar properties. This amino acid position is conserved. In addition, this alteration is predicted to be tolerated by in silico analysis. Since supporting evidence is limited at this time, the clinical significance of this alteration remains unclear.